The following is an entry in ClinVar:

NM_004482.4(GALNT3):c.459C>T (p.Phe153=)

Gene: GALNT3 (polypeptide N-acetylgalactosaminyltransferase 3; minus strand). Cytogenetic location: 2q24.3.
Variant type: single nucleotide variant.
Coding change: c.459C>T on transcript NM_004482.4 (MANE Select); coding-DNA position 459, C replaced by T.
Protein change: p.Phe153=; no amino-acid change (phenylalanine 153 retained).
Molecular consequence: synonymous variant.
Genome position (GRCh38, 1-based): chr2:165,770,242, G>A on the plus strand (C>T on the coding strand, the complement: GALNT3 is on the minus strand). VCF-style: chr2-165770242-G-A. GRCh37 (hg19) VCF-style: chr2-166626752-G-A.
Other names: c.459C>T (NM_004482.3).
Identifiers: ClinVar variation 1119685 (VCV001119685.12), dbSNP rs371366884, ClinGen allele CA1941236.

ClinVar aggregate classification (germline): Likely benign. Review status: criteria provided, multiple submitters, no conflicts (2 of 4 stars). 3 submissions from 3 submitters: Likely benign (2). 1 of the submissions does not count toward it. Last evaluated 2025-08-22.

Conditions:
GALNT3-related disorder. Also called: GALNT3-related condition.

Allele frequency attached by ClinVar (database versions not stated): gnomAD exomes 0.00014; gnomAD 0.00015 and 0.00016; ExAC 0.00018; TOPMed 0.00020; ESP Exome Variant Server 0.00038.
gnomAD v4.1: 288 of 1,614,094 alleles (0.018%); highest among the groups gnomAD compares: Admixed American, 0.027%; no homozygotes.

Submissions (3):

Labcorp Genetics (formerly Invitae), Labcorp
Classification: Likely benign. Last evaluated: 2025-08-22. Review status: criteria provided, single submitter. Criteria: Invitae Variant Classification Sherloc (09022015). Collection method: clinical testing. Allele origin: germline.

Blueprint Genetics
Classification: Likely benign. Last evaluated: 2024-11-25. Review status: criteria provided, single submitter. Criteria: ACMG Guidelines, 2015. Collection method: clinical testing. Allele origin: germline.

PreventionGenetics, part of Exact Sciences
Classification: Likely benign for GALNT3-related condition. Last evaluated: 2019-07-16. Review status: no assertion criteria provided. Collection method: clinical testing. Allele origin: germline. Not counted in ClinVar's aggregate classification.
Comment: This variant is classified as likely benign based on ACMG/AMP sequence variant interpretation guidelines (Richards et al. 2015 PMID: 25741868, with internal and published modifications).